The following is an entry in ClinVar:

ClinVar aggregate classification (germline): Uncertain significance (1 of 4 stars; one submission).

Conditions:
Frontotemporal dementia and/or amyotrophic lateral sclerosis 1 (FTDALS1). Also called: C9orf72 Frontotemporal Dementia and/or Amyotrophic Lateral Sclerosis; Frontotemporal dementia with motor neuron disease 1. Identifiers: Orphanet 275872, MedGen C5779877, MONDO:0007105, OMIM 105550.
Paget disease of bone 2, early-onset (PDB2). Also called: Paget disease of bone 2. Identifiers: MedGen C4085251, MONDO:0011183, OMIM 602080.

gnomAD v4.1: 2 of 1,613,184 alleles (0.00012%); highest among the groups gnomAD compares: Non-Finnish European, 0.00017%; no homozygotes.

Submission:

Labcorp Genetics (formerly Invitae), Labcorp
Classification: Uncertain significance for Paget disease of bone 2, early-onset; Frontotemporal dementia and/or amyotrophic lateral sclerosis 1. Last evaluated: 2025-12-23. Review status: criteria provided, single submitter. Criteria: Invitae Variant Classification Sherloc (09022015). Collection method: clinical testing. Allele origin: germline.
Comment: This sequence change replaces cysteine, which is neutral and slightly polar, with tyrosine, which is neutral and polar, at codon 113 of the SQSTM1 protein (p.Cys113Tyr). This variant is present in population databases (no rsID available, gnomAD 0.007%). This variant has not been reported in the literature in individuals affected with SQSTM1-related conditions. Invitae Evidence Modeling of protein sequence and biophysical properties (such as structural, functional, and spatial information, amino acid conservation, physicochemical variation, residue mobility, and thermodynamic stability) indicates that this missense variant is not expected to disrupt SQSTM1 protein function with a negative predictive value of 80%. In summary, the available evidence is currently insufficient to determine the role of this variant in disease. Therefore, it has been classified as a Variant of Uncertain Significance.

NM_003900.5(SQSTM1):c.338G>A (p.Cys113Tyr)

Gene: SQSTM1 (sequestosome 1; plus strand). Cytogenetic location: 5q35.3.
Variant type: single nucleotide variant.
Coding change: c.338G>A on transcript NM_003900.5 (MANE Select); coding-DNA position 338, G replaced by A.
Protein change: p.Cys113Tyr; replaces cysteine 113 with tyrosine.
Molecular consequence: missense variant.
Genome position (GRCh38, 1-based): chr5:179,823,894, G>A. VCF-style: chr5-179823894-G-A. GRCh37 (hg19) VCF-style: chr5-179250894-G-A.
Other names: c.86G>A, p.Cys29Tyr (NM_001142298.2, NM_001142299.2); short protein forms C113Y, C29Y.
Identifiers: ClinVar variation 4794363 (VCV004794363.1).